The following is an entry in ClinVar:

NM_006393.3(NEBL):c.1776+15C>G

Gene: NEBL (nebulette; minus strand). Cytogenetic location: 10p12.31.
Variant type: single nucleotide variant.
Coding change: c.1776+15C>G on transcript NM_006393.3 (MANE Select); 15 bases into the intron after coding-DNA position 1776, C replaced by G.
Molecular consequence: intron variant.
Genome position (GRCh38, 1-based): chr10:20,828,515, G>C on the plus strand (C>G on the coding strand, the complement: NEBL is on the minus strand). VCF-style: chr10-20828515-G-C. GRCh37 (hg19) VCF-style: chr10-21117444-G-C.
Other names: c.250-15575C>G (NM_001377326.1, NM_001377327.1, NM_001377328.1); c.358-15575C>G (NM_213569.2, NM_001173484.2, NM_001377322.1); c.301-15575C>G (NM_001377324.1); c.292-15575C>G (NM_001377325.1); c.310-15575C>G (NM_001377323.1).
Identifiers: ClinVar variation 387043 (VCV000387043.9), dbSNP rs373748632, ClinGen allele CA5432752.

ClinVar aggregate classification (germline): Benign/Likely benign. Review status: criteria provided, multiple submitters, no conflicts (2 of 4 stars). 2 submissions from 2 submitters: Benign (1); Likely benign (1). Last evaluated 2025-09-24.

Conditions:
Primary dilated cardiomyopathy (DCM). Also called: Dilated Cardiomyopathy. Identifiers: Orphanet 217604, MedGen C0007193, MeSH D002311, MONDO:0005021, HP:0001644. Inheritance: Various modes of inheritance.

Allele frequency attached by ClinVar (database versions not stated): TOPMed 0.00004; gnomAD exomes 0.00006; ExAC 0.00007; ESP Exome Variant Server 0.00008.
gnomAD v4.1: 52 of 1,514,512 alleles (0.0034%); highest among the groups gnomAD compares: Non-Finnish European, 0.00073%; no homozygotes.

Submissions (2):

Labcorp Genetics (formerly Invitae), Labcorp
Classification: Benign for Primary dilated cardiomyopathy. Last evaluated: 2025-09-24. Review status: criteria provided, single submitter. Criteria: Invitae Variant Classification Sherloc (09022015). Collection method: clinical testing. Allele origin: germline.

GeneDx
Classification: Likely benign. Last evaluated: 2016-06-16. Review status: criteria provided, single submitter. Criteria: GeneDx Variant Classification (06012015). Collection method: clinical testing. Allele origin: germline. Affected: yes.
Comment: This variant is considered likely benign or benign based on one or more of the following criteria: it is a conservative change, it occurs at a poorly conserved position in the protein, it is predicted to be benign by multiple in silico algorithms, and/or has population frequency not consistent with disease.